The following is an entry in ClinVar:

ClinVar aggregate classification (germline): Likely benign (1 of 4 stars; one submission).

Allele frequency attached by ClinVar (database versions not stated): 1000 Genomes Project 30x 0.00094; 1000 Genomes Project 0.00100; ESP Exome Variant Server 0.00123; gnomAD 0.00366; TOPMed 0.00374; gnomAD exomes 0.00463; ExAC 0.00937.
gnomAD v4.1: 6,983 of 1,525,258 alleles (0.46%); highest among the groups gnomAD compares: Middle Eastern, 0.6%; 18 homozygotes.

Submission:

CeGaT Center for Human Genetics Tuebingen
Classification: Likely benign. Last evaluated: 2025-05-01. Review status: criteria provided, single submitter. Criteria: CeGaT Center For Human Genetics Tuebingen Variant Classification Criteria Version 2. Collection method: clinical testing. Allele origin: germline. Affected: yes. Observed: 2 variant alleles.
Comment: CEP170: BP4, BS2

NM_014812.3(CEP170):c.2627G>A (p.Arg876Gln)

Gene: CEP170 (centrosomal protein 170; minus strand). Cytogenetic location: 1q43.
Variant type: single nucleotide variant.
Coding change: c.2627G>A on transcript NM_014812.3 (MANE Select); coding-DNA position 2627, G replaced by A.
Protein change: p.Arg876Gln; replaces arginine 876 with glutamine.
Molecular consequence: missense variant.
Genome position (GRCh38, 1-based): chr1:243,165,333, C>T on the plus strand (G>A on the coding strand, the complement: CEP170 is on the minus strand). VCF-style: chr1-243165333-C-T. GRCh37 (hg19) VCF-style: chr1-243328635-C-T.
Other names: c.2333G>A, p.Arg778Gln (NM_001042404.2, NM_001042405.2); short protein forms R778Q, R876Q.
Identifiers: ClinVar variation 2640213 (VCV002640213.24), dbSNP rs201082752, ClinGen allele CA1482608.